The following is an entry in ClinVar:

NM_001042492.3(NF1):c.4339_4340del (p.Gln1447fs)

Gene: NF1 (neurofibromin 1; plus strand). Cytogenetic location: 17q11.2.
Variant type: Deletion.
Coding change: c.4339_4340del on transcript NM_001042492.3 (MANE Select); coding-DNA positions 4339 to 4340, 2 bases deleted (CA; older notation c.4339_4340delCA).
Protein change: p.Gln1447fs; shifts the reading frame from glutamine 1447.
Molecular consequence: frameshift variant.
Genome position (GRCh38, 1-based): chr17:31,259,038-31,259,039, CA deleted. VCF-style (leftmost placement, unchanged base first): chr17-31259037-TCA-T. GRCh37 (hg19) VCF-style: chr17-29586055-TCA-T.
Other names: c.4276_4277delCA, p.Gln1426Glufs (NM_000267.4); short protein forms Q1426fs, Q1447fs.
Identifiers: ClinVar variation 3777259 (VCV003777259.1).

ClinVar aggregate classification (germline): Pathogenic (1 of 4 stars; one submission).

Conditions:
Neurofibromatosis, type 1 (NF1). Also called: Peripheral type neurofibromatosis; VON RECKLINGHAUSEN DISEASE; NEUROFIBROMATOSIS, TYPE I, SOMATIC; Neurofibromatosis, type I. Identifiers: Orphanet 636, MedGen C0027831, MONDO:0018975, OMIM 162200. Disease mechanism: loss of function.

Submission:

Clinical Genetics Laboratory, Skane University Hospital Lund
Classification: Pathogenic for Neurofibromatosis, type 1. Last evaluated: 2025-04-07. Review status: criteria provided, single submitter. Criteria: ACMG Guidelines, 2015. Collection method: clinical testing. Allele origin: germline. Affected: yes.
Comment: PVS1, PM2 and PP4 strong